The following is an entry in ClinVar:

NM_004937.3(CTNS):c.427dup (p.Tyr143fs)

Genes: CTNS (cystinosin, lysosomal cystine transporter; plus strand), CTNS-AS1 (CTNS antisense RNA 1; minus strand). Cytogenetic location: 17p13.2.
Variant type: Duplication.
Coding change: c.427dup on transcript NM_004937.3 (MANE Select); coding-DNA position 427, one base duplicated (T; older notation c.427dupT).
Protein change: p.Tyr143fs; shifts the reading frame from tyrosine 143.
Molecular consequence: frameshift variant. On other transcripts: 5 prime UTR variant (4).
Genome position (GRCh38, 1-based): chr17:3,655,318, T duplicated. VCF-style (leftmost placement, unchanged base first): chr17-3655317-C-CT. GRCh37 (hg19) VCF-style: chr17-3558611-C-CT.
Other names: c.427dup, p.Tyr143fs (NM_001031681.3, NM_001374492.1); c.-15dup (NM_001374493.1, NM_001374494.1, NM_001374495.1 and 1 more transcripts); short protein forms Y143fs.
Identifiers: ClinVar variation 4065558 (VCV004065558.2).

ClinVar aggregate classification (germline): Likely pathogenic (1 of 4 stars; one submission).

Conditions:
Cystinosis. Also called: Cystine diathesis; Cystine storage disease; Cystinoses. Identifiers: Orphanet 213, MedGen C4316899, MONDO:0016239.

Submission:

Natera, Inc.
Classification: Likely pathogenic for Cystinosis. Last evaluated: 2025-02-21. Review status: criteria provided, single submitter. Criteria: Natera Variant Classification Schema (03/2026). Collection method: clinical testing. Allele origin: germline.
Comment: The c.427dup variant in CTNS is a frameshift variant predicted to shift the reading frame beginning at codon 143 and leads to a stop codon 85 codons downstream. This variant is expected to result in nonsense mediated decay, truncation, or a dysfunctional protein product. This variant is rare in the general population with a frequency below the threshold expected for the associated phenotype(s). Given the available evidence, this variant is classified as Likely Pathogenic.